The following is an entry in ClinVar:

ClinVar aggregate classification (germline): Benign/Likely benign. Review status: criteria provided, multiple submitters, no conflicts (2 of 4 stars). 3 submissions from 3 submitters: Benign (1); Likely benign (2). Last evaluated 2026-01-20.

Conditions:
Juvenile polyposis syndrome (JPS). Identifiers: Orphanet 2929, MedGen C0345893, MONDO:0017380, OMIM 174900.
Hereditary cancer-predisposing syndrome. Also called: Tumor predisposition; Neoplastic Syndromes, Hereditary; Hereditary Cancer Syndrome; Hereditary neoplastic syndrome. Identifiers: Orphanet 140162, MedGen C0027672, MeSH D009386, MONDO:0015356.

gnomAD v4.1: 1 of 1,614,072 alleles (0.000062%); highest among the groups gnomAD compares: Admixed American, 0.0017%; no homozygotes.

Submissions (3):

Labcorp Genetics (formerly Invitae), Labcorp
Classification: Likely benign for Juvenile polyposis syndrome. Last evaluated: 2026-01-20. Review status: criteria provided, single submitter. Criteria: Invitae Variant Classification Sherloc (09022015). Collection method: clinical testing. Allele origin: germline.

Myriad Genetics, Inc.
Classification: Benign for Juvenile polyposis syndrome. Last evaluated: 2024-08-01. Review status: criteria provided, single submitter. Criteria: Myriad Autosomal Dominant, Autosomal Recessive and X-Linked Classification Criteria (2023). Collection method: clinical testing. Allele origin: unknown.
Comment: This variant is considered benign. This variant is a silent/synonymous amino acid change and it is not expected to impact splicing.

Color Diagnostics, LLC DBA Color Health
Classification: Likely benign for Hereditary cancer-predisposing syndrome. Last evaluated: 2017-08-17. Review status: criteria provided, single submitter. Criteria: ACMG Guidelines, 2015. Collection method: clinical testing. Allele origin: germline.

NM_004329.3(BMPR1A):c.435G>T (p.Pro145=)

Gene: BMPR1A (bone morphogenetic protein receptor type 1A; plus strand). Cytogenetic location: 10q23.2.
Variant type: single nucleotide variant.
Coding change: c.435G>T on transcript NM_004329.3 (MANE Select); coding-DNA position 435, G replaced by T.
Protein change: p.Pro145=; no amino-acid change (proline 145 retained).
Molecular consequence: synonymous variant.
Genome position (GRCh38, 1-based): chr10:86,900,031, G>T. VCF-style: chr10-86900031-G-T. GRCh37 (hg19) VCF-style: chr10-88659788-G-T.
Identifiers: ClinVar variation 491001 (VCV000491001.14), dbSNP rs11818239, ClinGen allele CA470306970.